The following is an entry in ClinVar:

ClinVar aggregate classification (germline): Pathogenic. Review status: reviewed by expert panel (3 of 4 stars). 2 submissions from 2 submitters: Pathogenic (1). 1 of the submissions does not count toward it. Last evaluated 2017-12-15.

Conditions:
Breast-ovarian cancer, familial, susceptibility to, 2 (BROVCA2). Also called: BRCA2 Hereditary Breast and Ovarian Cancer. Identifiers: Orphanet 145, MedGen C2675520, MONDO:0012933, OMIM 612555. Disease mechanism: loss of function.

Submissions (2):

Evidence-based Network for the Interpretation of Germline Mutant Alleles (ENIGMA)
Classification: Pathogenic for Breast-ovarian cancer, familial, susceptibility to, 2. Last evaluated: 2017-12-15. Review status: reviewed by expert panel. Criteria: ENIGMA BRCA1/2 Classification Criteria (2017-06-29). Collection method: curation. Allele origin: germline. Study: ENIGMA.
Comment: Variant allele predicted to encode a truncated non-functional protein.

GeneDx
Classification: Pathogenic. Last evaluated: 2016-07-27. Review status: criteria provided, single submitter. Criteria: GeneDx Variant Classification (06012015). Collection method: clinical testing. Allele origin: germline. Affected: yes. Not counted in ClinVar's aggregate classification.
Comment: This duplication of one nucleotide in BRCA2 is denoted c.4700dupT at the cDNA level and p.Tyr1569ValfsX6 (Y1569VfsX6) at the protein level. Using alternate nomenclature, this variant would be defined as BRCA2 4928dupT. The normal sequence, with the base that is duplicated in braces, is ACCC[T]AAAG. The duplication causes a frameshift, which changes a Tyrosine to a Valine at codon 1569, and creates a premature stop codon at position 6 of the new reading frame. Although this variant has not, to our knowledge, been reported in the literature, it is predicted to cause loss of normal protein function through either protein truncation or nonsense-mediated mRNA decay. We consider this variant to be pathogenic.

NM_000059.4(BRCA2):c.4700dup (p.Tyr1569fs)

Gene: BRCA2 (BRCA2 DNA repair associated; plus strand). Cytogenetic location: 13q13.1.
Variant type: Duplication.
Coding change: c.4700dup on transcript NM_000059.4 (MANE Select); coding-DNA position 4700, one base duplicated (T; older notation c.4700dupT).
Protein change: p.Tyr1569fs; shifts the reading frame from tyrosine 1569.
Molecular consequence: frameshift variant.
Genome position (GRCh38, 1-based): chr13:32,339,055, T duplicated. VCF-style (leftmost placement, unchanged base first): chr13-32339054-C-CT. GRCh37 (hg19) VCF-style: chr13-32913191-C-CT.
Other names: c.4700dupT (NM_000059.3); short protein forms Y1569fs.
Identifiers: ClinVar variation 419021 (VCV000419021.2), dbSNP rs1555283907, ClinGen allele CA16619714.
Genomic context (GRCh38, chr13:32,339,054, plus strand): 5'-GATGAAAAAGAGCAAGGTACTAGTGAAATCACCAGTTTTAGCCATCAATGGGCAAAGACC[C>CT]TAAAGTACAGAGAGGCCTGTAAAGACCTTGAATTAGCATGTGAGACCATTGAGATCACAG-3'